The following is an entry in ClinVar:

ClinVar aggregate classification (germline): Uncertain significance (1 of 4 stars; one submission).

Submission:

GeneDx
Classification: Uncertain significance. Last evaluated: 2024-06-18. Review status: criteria provided, single submitter. Criteria: GeneDx Variant Classification Process June 2021. Collection method: clinical testing. Allele origin: germline. Affected: yes.
Comment: Not observed at significant frequency in large population cohorts (gnomAD); In silico analysis indicates that this missense variant does not alter protein structure/function; Has not been previously published as pathogenic or benign to our knowledge

NM_005271.5(GLUD1):c.329A>G (p.Lys110Arg)

Gene: GLUD1 (glutamate dehydrogenase 1; minus strand). Cytogenetic location: 10q23.2.
Variant type: single nucleotide variant.
Coding change: c.329A>G on transcript NM_005271.5 (MANE Select); coding-DNA position 329, A replaced by G.
Protein change: p.Lys110Arg; replaces lysine 110 with arginine.
Molecular consequence: missense variant. On other transcripts: 5 prime UTR variant (3).
Genome position (GRCh38, 1-based): chr10:87,094,441, T>C on the plus strand (A>G on the coding strand, the complement: GLUD1 is on the minus strand). VCF-style: chr10-87094441-T-C. GRCh37 (hg19) VCF-style: chr10-88854198-T-C.
Other names: c.-400A>G (NM_001318904.2); c.-526A>G (NM_001318905.2); c.-233A>G (NM_001318906.2); short protein forms K110R.
Identifiers: ClinVar variation 3391556 (VCV003391556.1).